The following is an entry in ClinVar:

ClinVar aggregate classification (germline): Uncertain significance. Review status: criteria provided, single submitter (1 of 4 stars). 2 submissions from 2 submitters: Uncertain significance (1). 1 of the submissions does not count toward it. Last evaluated 2022-07-06.

Conditions:
Aicardi Goutieres syndrome (AGS). Also called: Encephalopathy, familial infantile, with calcification of basal ganglia and chronic cerebrospinal fluid lymphocytosis. Identifiers: Orphanet 51, MedGen C0393591, MONDO:0018866.
Aicardi-Goutieres syndrome 5. Identifiers: Orphanet 51, MedGen C2749659, MONDO:0013059, OMIM 612952.

Allele frequency attached by ClinVar (database versions not stated): gnomAD 0.00001; gnomAD exomes 0.00001 and 0.00004; TOPMed 0.00001; ExAC 0.00002.

Submissions (2):

Labcorp Genetics (formerly Invitae), Labcorp
Classification: Uncertain significance for Aicardi-Goutieres syndrome 5. Last evaluated: 2022-07-06. Review status: criteria provided, single submitter. Criteria: Invitae Variant Classification Sherloc (09022015). Collection method: clinical testing. Allele origin: germline.
Comment: This sequence change replaces isoleucine, which is neutral and non-polar, with valine, which is neutral and non-polar, at codon 245 of the SAMHD1 protein (p.Ile245Val). This variant is present in population databases (rs754150741, gnomAD 0.004%). This variant has not been reported in the literature in individuals affected with SAMHD1-related conditions. ClinVar contains an entry for this variant (Variation ID: 644122). Algorithms developed to predict the effect of missense changes on protein structure and function output the following: SIFT: "Tolerated"; PolyPhen-2: "Benign"; Align-GVGD: "Class C0". The valine amino acid residue is found in multiple mammalian species, which suggests that this missense change does not adversely affect protein function. In summary, the available evidence is currently insufficient to determine the role of this variant in disease. Therefore, it has been classified as a Variant of Uncertain Significance.

Natera, Inc.
Classification: Uncertain significance for Aicardi-Goutieres syndrome. Last evaluated: 2021-04-03. Review status: no assertion criteria provided. Collection method: clinical testing. Allele origin: germline. Not counted in ClinVar's aggregate classification.

NM_015474.4(SAMHD1):c.733A>G (p.Ile245Val)

Gene: SAMHD1 (SAM and HD domain containing deoxynucleoside triphosphate triphosphohydrolase 1; minus strand). Cytogenetic location: 20q11.23.
Variant type: single nucleotide variant.
Coding change: c.733A>G on transcript NM_015474.4 (MANE Select); coding-DNA position 733, A replaced by G.
Protein change: p.Ile245Val; replaces isoleucine 245 with valine.
Molecular consequence: missense variant.
Genome position (GRCh38, 1-based): chr20:36,919,483, T>C on the plus strand (A>G on the coding strand, the complement: SAMHD1 is on the minus strand). VCF-style: chr20-36919483-T-C. GRCh37 (hg19) VCF-style: chr20-35547886-T-C.
Other names: c.733A>G, p.Ile245Val (NM_001363729.2, NM_001363733.2); short protein forms I245V.
Identifiers: ClinVar variation 644122 (VCV000644122.4), dbSNP rs754150741, ClinGen allele CA9844652.